The following is an entry in ClinVar:

NM_020975.6(RET):c.1414G>A (p.Ala472Thr)

Gene: RET (ret proto-oncogene; plus strand). Cytogenetic location: 10q11.21.
Variant type: single nucleotide variant.
Coding change: c.1414G>A on transcript NM_020975.6 (MANE Select); coding-DNA position 1414, G replaced by A.
Protein change: p.Ala472Thr; replaces alanine 472 with threonine.
Molecular consequence: missense variant.
Genome position (GRCh38, 1-based): chr10:43,111,357, G>A. VCF-style: chr10-43111357-G-A. GRCh37 (hg19) VCF-style: chr10-43606805-G-A.
Other names: c.1414G>A, p.Ala472Thr (NM_000323.2, NM_001406743.1, NM_001406744.1 and 6 more transcripts); c.652G>A, p.Ala218Thr (NM_001355216.2); c.1285G>A, p.Ala429Thr (NM_001406761.1, NM_001406762.1, NM_001406764.1 and 1 more transcripts); c.1126G>A, p.Ala376Thr (NM_001406766.1, NM_001406767.1, NM_001406770.1); c.1018G>A, p.Ala340Thr (NM_001406769.1, NM_001406772.1); c.976G>A, p.Ala326Thr (NM_001406771.1, NM_001406773.1); c.889G>A, p.Ala297Thr (NM_001406774.1); c.688G>A, p.Ala230Thr (NM_001406775.1, NM_001406776.1, NM_001406777.1 and 1 more transcripts); and 1 more; short protein forms A218T, A472T, A326T, A142T, A297T, A340T, A376T, A230T.
Identifiers: ClinVar variation 1402339 (VCV001402339.8), dbSNP rs1253227059, ClinGen allele CA376549504.

ClinVar aggregate classification (germline): Conflicting classifications of pathogenicity. Review status: criteria provided, conflicting classifications (1 of 4 stars). 2 submissions from 2 submitters: Uncertain significance (1); Likely benign (1). Last evaluated 2024-02-15.

Conditions:
Hereditary cancer-predisposing syndrome. Also called: Hereditary neoplastic syndrome; Hereditary Cancer Syndrome; Neoplastic Syndromes, Hereditary; Tumor predisposition. Identifiers: Orphanet 140162, MedGen C0027672, MeSH D009386, MONDO:0015356.
Multiple endocrine neoplasia, type 2 (MEN2). Identifiers: Orphanet 653, MedGen C4048306, MONDO:0019003. Disease mechanism: gain of function.

Allele frequency attached by ClinVar (database versions not stated): gnomAD exomes below 0.00001.
gnomAD v4.1: 1 of 1,614,108 alleles (0.000062%); highest among the groups gnomAD compares: South Asian, 0.0011%; no homozygotes.

Submissions (2):

Ambry Genetics
Classification: Likely benign for Hereditary cancer-predisposing syndrome. Last evaluated: 2024-02-15. Review status: criteria provided, single submitter. Criteria: Ambry Variant Classification Scheme 2023. Collection method: clinical testing. Allele origin: germline.

Labcorp Genetics (formerly Invitae), Labcorp
Classification: Uncertain significance for Multiple endocrine neoplasia, type 2. Last evaluated: 2021-11-27. Review status: criteria provided, single submitter. Criteria: Invitae Variant Classification Sherloc (09022015). Collection method: clinical testing. Allele origin: germline.
Comment: In summary, the available evidence is currently insufficient to determine the role of this variant in disease. Therefore, it has been classified as a Variant of Uncertain Significance. Algorithms developed to predict the effect of missense changes on protein structure and function output the following: SIFT: "Tolerated"; PolyPhen-2: "Benign"; Align-GVGD: "Class C0". The threonine amino acid residue is found in multiple mammalian species, which suggests that this missense change does not adversely affect protein function. This sequence change replaces alanine, which is neutral and non-polar, with threonine, which is neutral and polar, at codon 472 of the RET protein (p.Ala472Thr). This variant is present in population databases (no rsID available, gnomAD 0.003%). This variant has not been reported in the literature in individuals affected with RET-related conditions.